The following is an entry in ClinVar:

ClinVar aggregate classification (germline): Uncertain significance. Review status: criteria provided, multiple submitters, no conflicts (2 of 4 stars). 4 submissions from 4 submitters: Uncertain significance (4). Last evaluated 2024-08-15.

Conditions:
Congenital microcephaly - severe encephalopathy - progressive cerebral atrophy syndrome. Also called: ASNS DEFICIENCY; Asparagine synthetase deficiency. Identifiers: Orphanet 391376, MedGen C3809971, MONDO:0014258, OMIM 615574.

Allele frequency attached by ClinVar (database versions not stated): gnomAD exomes below 0.00001; TOPMed below 0.00001; gnomAD 0.00001.
gnomAD v4.1: 8 of 1,614,002 alleles (0.0005%); highest among the groups gnomAD compares: East Asian, 0.0022%; no homozygotes.

Submissions (4):

Women's Health and Genetics/Laboratory Corporation of America, LabCorp
Classification: Uncertain significance. Last evaluated: 2024-08-15. Review status: criteria provided, single submitter. Criteria: LabCorp Variant Classification Summary - May 2015. Collection method: clinical testing. Allele origin: germline.
Comment: Variant summary: ASNS c.1555C>T (p.Arg519Cys) results in a non-conservative amino acid change located in the Asparagine synthase domain (IPR001962) of the encoded protein sequence. Five of five in-silico tools predict a damaging effect of the variant on protein function. The variant allele was found at a frequency of 5e-06 in 1614002 control chromosomes. The available data on variant occurrences in the general population are insufficient to allow any conclusion about variant significance. c.1555C>T has been reported in the literature in the compound heterozygous state in an individual affected with Asparagine Synthetase Deficiency (Lee_2024). These data do not allow any conclusion about variant significance. To our knowledge, no experimental evidence demonstrating an impact on protein function has been reported. The following publication have been ascertained in the context of this evaluation (PMID: 38043418). ClinVar contains an entry for this variant (Variation ID: 810138). Based on the evidence outlined above, the variant was classified as uncertain significance.

Intergen Genetics and Rare Diseases Diagnosis Center
Classification: Uncertain significance for Congenital microcephaly - severe encephalopathy - progressive cerebral atrophy syndrome. Last evaluated: 2023-07-11. Review status: criteria provided, single submitter. Criteria: ACMG Guidelines, 2015. Collection method: clinical testing. Allele origin: unknown. Inheritance: Autosomal recessive inheritance. Affected: no. Observed: 1 heterozygote.

Labcorp Genetics (formerly Invitae), Labcorp
Classification: Uncertain significance. Last evaluated: 2022-02-05. Review status: criteria provided, single submitter. Criteria: Invitae Variant Classification Sherloc (09022015). Collection method: clinical testing. Allele origin: germline.
Comment: This sequence change replaces arginine, which is basic and polar, with cysteine, which is neutral and slightly polar, at codon 519 of the ASNS protein (p.Arg519Cys). This variant is not present in population databases (gnomAD no frequency). This variant has not been reported in the literature in individuals affected with ASNS-related conditions. ClinVar contains an entry for this variant (Variation ID: 810138). Advanced modeling of protein sequence and biophysical properties (such as structural, functional, and spatial information, amino acid conservation, physicochemical variation, residue mobility, and thermodynamic stability) performed at Invitae indicates that this missense variant is expected to disrupt ASNS protein function. In summary, the available evidence is currently insufficient to determine the role of this variant in disease. Therefore, it has been classified as a Variant of Uncertain Significance.

CeGaT Center for Human Genetics Tuebingen
Classification: Uncertain significance. Last evaluated: 2018-12-01. Review status: criteria provided, single submitter. Criteria: CeGaT Center For Human Genetics Tuebingen Variant Classification Criteria Version 2. Collection method: clinical testing. Allele origin: germline. Affected: yes. Observed: 1 variant allele.

Literature cited by the submitters: PubMed 38043418 (cited by Women's Health and Genetics/Laboratory Corporation of America, LabCorp).

NM_001673.5(ASNS):c.1555C>T (p.Arg519Cys)

Genes: ASNS (asparagine synthetase (glutamine-hydrolyzing); minus strand), CZ1P-ASNS (CZ1P-ASNS readthrough; minus strand). Cytogenetic location: 7q21.3.
Variant type: single nucleotide variant.
Coding change: c.1555C>T on transcript NM_001673.5 (MANE Select); coding-DNA position 1555, C replaced by T.
Protein change: p.Arg519Cys; replaces arginine 519 with cysteine.
Molecular consequence: missense variant. On other transcripts: non-coding transcript variant (1).
Genome position (GRCh38, 1-based): chr7:97,852,390, G>A on the plus strand (C>T on the coding strand, the complement: ASNS is on the minus strand). VCF-style: chr7-97852390-G-A. GRCh37 (hg19) VCF-style: chr7-97481702-G-A.
Other names: c.1492C>T, p.Arg498Cys (NM_001178075.2); c.1306C>T, p.Arg436Cys (NM_001178076.2, NM_001178077.1); c.1555C>T, p.Arg519Cys (NM_001352496.2, NM_133436.3, NM_183356.4); short protein forms R436C, R498C, R519C.
Identifiers: ClinVar variation 810138 (VCV000810138.44), dbSNP rs1251417315, ClinGen allele CA368264219.